The following is an entry in ClinVar:

ClinVar aggregate classification (germline): Likely pathogenic (3 of 4 stars; one submission).

Conditions:
Juvenile retinoschisis (RS1). Also called: X-Linked Juvenile Retinoschisis; X-linked retinoschisis. Identifiers: Orphanet 792, MedGen C3714753, MONDO:0010725, OMIM 312700.

Submission:

ClinGen X-linked Inherited Retinal Disease Variant Curation Expert Panel, ClinGen
Classification: Likely pathogenic for Juvenile retinoschisis. Last evaluated: 2025-05-19. Review status: reviewed by expert panel. Criteria: ClinGen X LinkedIRD ACMG Specifications RS1 V1.0.0. Collection method: curation. Allele origin: germline. Inheritance: X-linked inheritance.
Comment: The NM_000330.4(RS1):c.78+5G>A variant is an intronic variant in intron 2, located 5 nucleotides after exon 2. This variant is absent from hemizygous individuals in gnomAD v4.1.0 (PM2_Supporting). The splicing impact predictor SpliceAI gives a score of 0.64 (Donor Loss), which is above the ClinGen X-linked IRD VCEP recommended threshold of ≥0.2 and predicts a damaging impact on splicing (PP3). This variant is outside the +/- 1,2 dinucleotide and meets the PP3 code due to predicted splicing disruption and another predicted splicing variant, NM_000330.4(RS1):c.78+1G>A, was previously classified as a pathogenic variant in the same donor motif for X-linked retinoschisis (PS1_moderate). The variant has been reported to segregate with retinal dystrophy through 1 meiosis in each of two families (PMIDs: 19390641, 34645606). However, the two unrelated families each consist of a carrier mother and an affected son, however, the mothers are asymptomatic and therefore do not meet the PP1 code. At least one proband harboring this variant exhibits a phenotype including X-linked inheritance (Mother was also tested genetically), diagnosis of X-linked retinoschisis before the age of 13 years (required), cecreased central vision acuity, and absence of retinoschisis disease in carrier females, which together are specific for X-linked retinoschisis (PMID: 19390641), however PP4 was not met as this proband was counted for PS4 instead. This variant has been reported in at least 3 apparently unrelated probands meeting the PS4 requirements of a male diagnosed with X-linked retinoschisis (PMIDs: 34645606, 35456481, 19390641, PS4_Moderate). In summary, this variant is classified as likely pathogenic for X-linked retinoschisis based on the ClinGen X-linked Inherited Retinal Disease Expert Panel Specifications to the ACMG/AMP Variant Interpretation Guidelines for RS1 Version 1.0.0: PM2_supporting, PP3, PS1_moderate, and PS4_moderate (date of approval 01/24/2025).

NM_000330.4(RS1):c.78+5G>A

Gene: RS1 (retinoschisin 1; minus strand). Cytogenetic location: Xp22.13.
Variant type: single nucleotide variant.
Coding change: c.78+5G>A on transcript NM_000330.4 (MANE Select); 5 bases into the intron after coding-DNA position 78, G replaced by A.
Molecular consequence: intron variant.
Genome position (GRCh38, 1-based): chrX:18,657,635, C>T on the plus strand (G>A on the coding strand, the complement: RS1 is on the minus strand). VCF-style: chrX-18657635-C-T. GRCh37 (hg19) VCF-style: chrX-18675755-C-T.
Other names: NM_000330.4:c.78+5G>A.
Identifiers: ClinVar variation 3899903 (VCV003899903.1).